The following is an entry in ClinVar:

NM_020975.6(RET):c.1234G>A (p.Val412Met)

Gene: RET (ret proto-oncogene; plus strand). Cytogenetic location: 10q11.21.
Variant type: single nucleotide variant.
Coding change: c.1234G>A on transcript NM_020975.6 (MANE Select); coding-DNA position 1234, G replaced by A.
Protein change: p.Val412Met; replaces valine 412 with methionine.
Molecular consequence: missense variant.
Genome position (GRCh38, 1-based): chr10:43,109,201, G>A. VCF-style: chr10-43109201-G-A. GRCh37 (hg19) VCF-style: chr10-43604649-G-A.
Other names: c.1234G>A, p.Val412Met (NM_000323.2, NM_001406743.1, NM_001406744.1 and 6 more transcripts); c.472G>A, p.Val158Met (NM_001355216.2); c.1105G>A, p.Val369Met (NM_001406761.1, NM_001406762.1, NM_001406764.1 and 1 more transcripts); c.508G>A, p.Val170Met (NM_001406778.1, NM_001406775.1, NM_001406776.1 and 1 more transcripts); c.244G>A, p.Val82Met (NM_001406784.1); c.946G>A, p.Val316Met (NM_001406766.1, NM_001406767.1, NM_001406770.1); c.796G>A, p.Val266Met (NM_001406771.1, NM_001406773.1); short protein forms V412M, V158M, V82M, V266M, V316M, V369M, V170M.
Identifiers: ClinVar variation 640598 (VCV000640598.23), dbSNP rs746970700, ClinGen allele CA032249.

ClinVar aggregate classification (germline): Uncertain significance. Review status: criteria provided, multiple submitters, no conflicts (2 of 4 stars). 8 submissions from 8 submitters: Uncertain significance (8). Last evaluated 2025-12-01.

Conditions:
RET-related disorder. Also called: RET-related disorders; RET-related condition; RET-related disease.
Hereditary cancer-predisposing syndrome. Also called: Neoplastic Syndromes, Hereditary; Hereditary Cancer Syndrome; Tumor predisposition; Hereditary neoplastic syndrome. Identifiers: Orphanet 140162, MedGen C0027672, MeSH D009386, MONDO:0015356.
Hirschsprung disease, susceptibility to, 1 (HSCR1). Also called: RET-Related Hirschsprung Disease. Identifiers: Orphanet 388, MedGen C3888239, MONDO:0007723, OMIM 142623.
Multiple endocrine neoplasia type 2B. Also called: MEN 2B; MUCOSAL NEUROMA SYNDROME; Multiple endocrine neoplasia, type 3; MULTIPLE ENDOCRINE NEOPLASIA, TYPE IIB; Multiple Endocrine Neoplasia Type 2B (MEN2B); MEN IIB. Identifiers: Orphanet 247709, Orphanet 653, MedGen C0025269, MeSH D018814, MONDO:0008082, OMIM 162300.
Pheochromocytoma. Also called: MAX-Related Hereditary Paraganglioma-Pheochromocytoma Syndrome. Identifiers: Orphanet 29072, MedGen C0031511, MONDO:0008233, OMIM 171300, HP:0002666.
Familial medullary thyroid carcinoma (MTC). Also called: Thyroid cancer, familial medullary; MTC, familial; Familial Medullary Thyroid Carcinoma (FMTC). Identifiers: Orphanet 653, Orphanet 99361, MedGen C1833921, MONDO:0007958, OMIM 155240.
Multiple endocrine neoplasia type 2A. Also called: MULTIPLE ENDOCRINE NEOPLASIA, TYPE IIA; PTC SYNDROME; SIPPLE SYNDROME; MEN 2A; MEN-2A syndrome; Pheochromocytoma and amyloid producing medullary thyroid carcinoma. Identifiers: Orphanet 247698, Orphanet 653, MedGen C0025268, MeSH D018813, MONDO:0008234, OMIM 171400.
Hereditary cancer. Identifiers: MedGen C1333600.
Multiple endocrine neoplasia, type 2 (MEN2). Identifiers: Orphanet 653, MedGen C4048306, MONDO:0019003. Disease mechanism: gain of function.

Allele frequency attached by ClinVar (database versions not stated): gnomAD exomes below 0.00001 and 0.00001; ExAC 0.00001; gnomAD 0.00001 and 0.00002.
gnomAD v4.1: 20 of 1,613,472 alleles (0.0012%); highest among the groups gnomAD compares: Admixed American, 0.0017%; no homozygotes.

Submissions (8):

CeGaT Center for Human Genetics Tuebingen
Classification: Uncertain significance. Last evaluated: 2025-12-01. Review status: criteria provided, single submitter. Criteria: CeGaT Center For Human Genetics Tuebingen Variant Classification Criteria Version 2. Collection method: clinical testing. Allele origin: germline. Affected: yes. Observed: 1 variant allele.

Labcorp Genetics (formerly Invitae), Labcorp
Classification: Uncertain significance for Multiple endocrine neoplasia, type 2. Last evaluated: 2025-10-09. Review status: criteria provided, single submitter. Criteria: Invitae Variant Classification Sherloc (09022015). Collection method: clinical testing. Allele origin: germline.
Comment: This sequence change replaces valine, which is neutral and non-polar, with methionine, which is neutral and non-polar, at codon 412 of the RET protein (p.Val412Met). The frequency data for this variant in the population databases is considered unreliable, as metrics indicate poor data quality at this position in the gnomAD database. This missense change has been observed in individual(s) with Hirschsprung disease (PMID: 22174939, 23400839). ClinVar contains an entry for this variant (Variation ID: 640598). An algorithm developed to predict the effect of missense changes on protein structure and function (PolyPhen-2) suggests that this variant is likely to be disruptive. In summary, the available evidence is currently insufficient to determine the role of this variant in disease. Therefore, it has been classified as a Variant of Uncertain Significance.

PreventionGenetics, part of Exact Sciences
Classification: Uncertain significance for RET-related condition. Last evaluated: 2025-05-27. Review status: criteria provided, single submitter. Criteria: ACMG Guidelines, 2015. Collection method: clinical testing. Allele origin: germline.
Comment: The RET c.1234G>A variant is predicted to result in the amino acid substitution p.Val412Met. This variant was reported in individuals with Hirschsprung disease (So et al. 2011. PubMed ID: 22174939; Lima et al. 2023. PubMed ID: 37529773; Gui et al. 2013. PubMed ID: 23400839). This variant is reported in 0.0033% of alleles in individuals of South Asian descent in gnomAD and is classified as uncertain in ClinVar. At this time, the clinical significance of this variant is uncertain due to the absence of conclusive functional and genetic.

Mendelics
Classification: Uncertain significance for Hereditary cancer. Last evaluated: 2025-02-26. Review status: criteria provided, single submitter. Criteria: ACMG Guidelines, 2015. Collection method: clinical testing. Allele origin: unknown.
Comment: The available evidence is insufficient to conclusively determine the role of this variant. Therefore, it is classified as a Variant of Uncertain Significance.

Blueprint Genetics
Classification: Uncertain significance. Last evaluated: 2024-07-25. Review status: criteria provided, single submitter. Criteria: ACMG Guidelines, 2015. Collection method: clinical testing. Allele origin: germline.

Fulgent Genetics
Classification: Uncertain significance for Hirschsprung disease, susceptibility to, 1; Familial medullary thyroid carcinoma; Multiple endocrine neoplasia type 2B; Pheochromocytoma; Multiple endocrine neoplasia type 2A. Last evaluated: 2024-03-23. Review status: criteria provided, single submitter. Criteria: ACMG Guidelines, 2015. Collection method: clinical testing. Allele origin: germline.

All of Us Research Program, National Institutes of Health
Classification: Uncertain significance for Multiple endocrine neoplasia, type 2. Last evaluated: 2024-03-05. Review status: criteria provided, single submitter. Criteria: ACMG Guidelines, 2015. Collection method: clinical testing. Allele origin: germline. Inheritance: Autosomal dominant inheritance. Observed: 3 variant alleles, 3 heterozygotes.
Comment: This missense variant replaces valine with methionine at codon 412 of the RET protein. Computational prediction suggests that this variant may not impact protein structure and function (internally defined REVEL score threshold <= 0.5, PMID: 27666373). To our knowledge, functional studies have not been reported for this variant. This variant has been reported in an individual affected with medullary thyroid carcinoma and individuals affected with Hirschsprung disease (PMID: 22174939, 23400839, 27673361). The individual affected with medullary thyroid carcinoma also carried a known pathogenic variant in the RET gene that could explain the observed phenotype (PMID: 27673361). This variant has been identified in 2/282110 chromosomes in the general population by the Genome Aggregation Database (gnomAD). The available evidence is insufficient to determine the role of this variant in disease conclusively. Therefore, this variant is classified as a Variant of Uncertain Significance.

This study involves interpretation of variants in research participants for the purpose of population health screening. Participant phenotype was not available at the time of variant classification. Additional details can be found in publication PMID: 35346344, PMCID: PMC8962531

Ambry Genetics
Classification: Uncertain significance for Hereditary cancer-predisposing syndrome. Last evaluated: 2024-02-22. Review status: criteria provided, single submitter. Criteria: Ambry Variant Classification Scheme 2023. Collection method: clinical testing. Allele origin: germline.
Comment: The p.V412M variant (also known as c.1234G>A), located in coding exon 6 of the RET gene, results from a G to A substitution at nucleotide position 1234. The valine at codon 412 is replaced by methionine, an amino acid with highly similar properties. This alteration has been reported in a cohort of 601 Chinese Hirschsprung disease patients (So MT et al. PLoS One, 2011 Dec;6:e28986). This alteration has also been reported with RET K666N in an individual diagnosed with medullary thyroid cancer (Xu JY et al. Thyroid, 2016 12;26:1744-1751). This amino acid position is well conserved in available vertebrate species. In addition, this alteration is predicted to be tolerated by in silico analysis. Since supporting evidence is limited at this time, the clinical significance of this alteration remains unclear.

Literature cited by the submitters: PubMed 22174939 (cited by 3 submitters); PubMed 23400839 (cited by Labcorp Genetics (formerly Invitae), Labcorp and All of Us Research Program, National Institutes of Health); PubMed 27673361 (cited by All of Us Research Program, National Institutes of Health and Ambry Genetics).